The following is an entry in ClinVar:

NM_000051.4(ATM):c.86A>C (p.Lys29Thr)

Gene: ATM (ATM serine/threonine kinase; plus strand). Cytogenetic location: 11q22.3.
Variant type: single nucleotide variant.
Coding change: c.86A>C on transcript NM_000051.4 (MANE Select); coding-DNA position 86, A replaced by C.
Protein change: p.Lys29Thr; replaces lysine 29 with threonine.
Molecular consequence: missense variant.
Genome position (GRCh38, 1-based): chr11:108,227,789, A>C. VCF-style: chr11-108227789-A-C. GRCh37 (hg19) VCF-style: chr11-108098516-A-C.
Other names: c.86A>C, p.Lys29Thr (NM_001351834.2, NM_001351835.2, NM_001351836.2); short protein forms K29T.
Identifiers: ClinVar variation 246102 (VCV000246102.15), dbSNP rs147009251, ClinGen allele CA6264514.

ClinVar aggregate classification (germline): Uncertain significance. Review status: criteria provided, multiple submitters, no conflicts (2 of 4 stars). 4 submissions from 4 submitters: Uncertain significance (4). Last evaluated 2025-10-11.

Conditions:
ATM-related cancer predisposition. Also called: ATM-related cancer susceptibility. Identifiers: MedGen CN377759, MONDO:0700270.
Hereditary cancer-predisposing syndrome. Also called: Hereditary neoplastic syndrome; Neoplastic Syndromes, Hereditary; Hereditary Cancer Syndrome; Tumor predisposition. Identifiers: Orphanet 140162, MedGen C0027672, MeSH D009386, MONDO:0015356.
Ataxia-telangiectasia syndrome (AT). Also called: Ataxia telangiectasia (A-T); Cerebello-oculocutaneous telangiectasia; Immunodeficiency with ataxia telangiectasia; Ataxia-telangiectasia; Ataxia-telangiectasia, complementation group D; AT, COMPLEMENTATION GROUP C. Identifiers: Orphanet 100, MedGen C0004135, MONDO:0008840, OMIM 208900.

Allele frequency attached by ClinVar (database versions not stated): ExAC 0.00002; ESP Exome Variant Server 0.00008; gnomAD exomes 0.00001.
gnomAD v4.1: 2 of 1,613,762 alleles (0.00012%); highest among the groups gnomAD compares: African/African-American, 0.0027%; no homozygotes.

Submissions (4):

Labcorp Genetics (formerly Invitae), Labcorp
Classification: Uncertain significance for Ataxia-telangiectasia syndrome. Last evaluated: 2025-10-11. Review status: criteria provided, single submitter. Criteria: Invitae Variant Classification Sherloc (09022015). Collection method: clinical testing. Allele origin: germline.
Comment: This sequence change replaces lysine, which is basic and polar, with threonine, which is neutral and polar, at codon 29 of the ATM protein (p.Lys29Thr). This variant is present in population databases (rs147009251, gnomAD 0.01%). This variant has not been reported in the literature in individuals affected with ATM-related conditions. ClinVar contains an entry for this variant (Variation ID: 246102). Invitae Evidence Modeling of protein sequence and biophysical properties (such as structural, functional, and spatial information, amino acid conservation, physicochemical variation, residue mobility, and thermodynamic stability) indicates that this missense variant is not expected to disrupt ATM protein function with a negative predictive value of 95%. In summary, the available evidence is currently insufficient to determine the role of this variant in disease. Therefore, it has been classified as a Variant of Uncertain Significance.

Ambry Genetics
Classification: Uncertain significance for Hereditary cancer-predisposing syndrome. Last evaluated: 2023-06-05. Review status: criteria provided, single submitter. Criteria: Ambry Variant Classification Scheme 2023. Collection method: clinical testing. Allele origin: germline.
Comment: The p.K29T variant (also known as c.86A>C), located in coding exon 2 of the ATM gene, results from an A to C substitution at nucleotide position 86. The lysine at codon 29 is replaced by threonine, an amino acid with similar properties. This amino acid position is not well conserved in available vertebrate species. In addition, this alteration is predicted to be tolerated by in silico analysis. Since supporting evidence is limited at this time, the clinical significance of this alteration remains unclear.

Department of Pathology and Laboratory Medicine, Sinai Health System
Classification: Uncertain significance for ATM-related cancer predisposition. Last evaluated: 2021-08-24. Review status: criteria provided, single submitter. Criteria: ACMG Guidelines, 2015. Collection method: clinical testing. Allele origin: germline. Affected: yes.

GeneDx
Classification: Uncertain significance. Last evaluated: 2015-11-13. Review status: criteria provided, single submitter. Criteria: GeneDx Variant Classification (06012015). Collection method: clinical testing. Allele origin: germline. Affected: yes.
Comment: This variant is denoted ATM c.86A>C at the cDNA level, p.Lys29Thr (K29T) at the protein level, and results in the change of a Lysine to a Threonine (AAA>ACA). This variant has not, to our knowledge, been published in the literature as pathogenic or benign. ATM Lys29Thr was not observed at a significant allele frequency in the NHLBI Exome Sequencing Project. Since Lysine and Threonine differ in some properties, this is considered a semi-conservative amino acid substitution. ATM Lys29Thr occurs at a position that is not conserved and is not located in a known functional domain (Tavtigian 2009, Stracker 2013, UniProt). In silico analyses predict that this variant is unlikely to alter protein structure or function. Based on currently available evidence, it is unclear whether ATM Lys29Thr is a pathogenic or benign variant. We consider it to be a variant of uncertain significance.